The following is an entry in ClinVar:

ClinVar aggregate classification (germline): Uncertain significance (1 of 4 stars; one submission).

Conditions:
Perlman syndrome (PRLMNS). Identifiers: Orphanet 2849, MedGen C0796113, MONDO:0009965, OMIM 267000.

Submission:

Labcorp Genetics (formerly Invitae), Labcorp
Classification: Uncertain significance for Perlman syndrome. Last evaluated: 2022-10-18. Review status: criteria provided, single submitter. Criteria: Invitae Variant Classification Sherloc (09022015). Collection method: clinical testing. Allele origin: germline.
Comment: This sequence change replaces asparagine, which is neutral and polar, with serine, which is neutral and polar, at codon 740 of the DIS3L2 protein (p.Asn740Ser). Information on the frequency of this variant in the gnomAD database is not available, as this variant may be reported differently in the database. This variant has not been reported in the literature in individuals affected with DIS3L2-related conditions. Algorithms developed to predict the effect of missense changes on protein structure and function are either unavailable or do not agree on the potential impact of this missense change (SIFT: "Not Available"; PolyPhen-2: "Probably Damaging"; Align-GVGD: "Not Available"). In summary, the available evidence is currently insufficient to determine the role of this variant in disease. Therefore, it has been classified as a Variant of Uncertain Significance.

NM_152383.5(DIS3L2):c.2218_2219delinsTC (p.Asn740Ser)

Gene: DIS3L2 (DIS3 like 3'-5' exoribonuclease 2; plus strand). Cytogenetic location: 2q37.1.
Variant type: Indel.
Coding change: c.2218_2219delinsTC on transcript NM_152383.5 (MANE Select); coding-DNA positions 2218 to 2219, AA replaced by TC.
Protein change: p.Asn740Ser; replaces asparagine 740 with serine.
Molecular consequence: missense variant. On other transcripts: non-coding transcript variant (2), intron variant (1).
Genome position (GRCh38, 1-based): chr2:232,334,428-232,334,429, AA replaced by TC. VCF-style: chr2-232334428-AA-TC. GRCh37 (hg19) VCF-style: chr2-233199138-AA-TC.
Other names: c.1582-8917_1582-8916delinsTC (NM_001257281.2); short protein forms N740S.
Identifiers: ClinVar variation 2808811 (VCV002808811.3), dbSNP rs2469448528, ClinGen allele CA2739279750.
Genomic context (GRCh38, chr2:232,334,428, plus strand): 5'-GGCTATAGGGAGCGACTAGACATGGCGCCCGATACCCTGCAGAAACAGGCGGACCACTGT[AA>TC]CGACCGCCGCATGGCGTCCAAGCGCGTGCAGGAGCTCAGTACCAGTCTCTTCTTTGCTGT-3'
Protein context (NP_689596.4, residues 730-750): DTLQKQADHC[Asn740Ser]DRRMASKRVQ